The following is an entry in ClinVar:

NM_001042492.3(NF1):c.210_211del (p.Phe71fs)

Gene: NF1 (neurofibromin 1; plus strand). Cytogenetic location: 17q11.2.
Variant type: Microsatellite.
Coding change: c.210_211del on transcript NM_001042492.3 (MANE Select); coding-DNA positions 210 to 211, 2 bases deleted (AT; older notation c.210_211delAT).
Protein change: p.Phe71fs; shifts the reading frame from phenylalanine 71.
Molecular consequence: frameshift variant.
Genome position (GRCh38, 1-based): chr17:31,159,015-31,159,016, AT deleted; deleting any 2 consecutive bases within chr17:31,159,013-31,159,016 gives the same sequence; the c. name uses the placement nearest the transcript's 3' end. VCF-style (leftmost placement, unchanged base first): chr17-31159012-AAT-A. GRCh37 (hg19) VCF-style: chr17-29486030-AAT-A.
Other names: c.208_209AT[1], p.Phe71Trpfs (NM_000267.4); c.210_211del, p.Phe71fs (NM_001128147.3); short protein forms F71fs.
Identifiers: ClinVar variation 3256707 (VCV003256707.1).

ClinVar aggregate classification (germline): Pathogenic (1 of 4 stars; one submission).

Conditions:
Neurofibromatosis, type 1 (NF1). Also called: VON RECKLINGHAUSEN DISEASE; Neurofibromatosis, type I; NEUROFIBROMATOSIS, TYPE I, SOMATIC; Peripheral type neurofibromatosis. Identifiers: Orphanet 636, MedGen C0027831, MONDO:0018975, OMIM 162200. Disease mechanism: loss of function.

Submission:

MVZ Medizinische Genetik Mainz
Classification: Pathogenic for Neurofibromatosis, type 1. Last evaluated: 2024-06-18. Review status: criteria provided, single submitter. Criteria: UK Practice Guidelines For Variant Classification V4 01 2020. Collection method: clinical testing. Allele origin: germline. Inheritance: Autosomal dominant inheritance. Affected: yes. Observed: 1 variant allele.
Comment: ACMG Criteria: PVS1,PM2_SUP_MOD